The following is an entry in ClinVar:

NM_000060.2:c.98_104delGCGGCTGinsTCC

Gene: BTD (biotinidase; plus strand).
Variant type: Indel.
Other names: c.98_104delGCGGCTGinsTCC (NM_000060.2).
Identifiers: ClinVar variation 4829157 (VCV004829157.1).

ClinVar aggregate classification (germline): Pathogenic (1 of 4 stars; one submission).

Conditions:
Inborn genetic diseases. Identifiers: MedGen C0950123, MeSH D030342.

Submission:

Ambry Genetics
Classification: Pathogenic for Inborn genetic diseases. Last evaluated: 2025-12-19. Review status: criteria provided, single submitter. Criteria: Ambry Variant Classification Scheme 2023. Collection method: clinical testing. Allele origin: germline.
Comment: The c.98_104delGCGGCTGinsTCC (p.C33Ffs*36) alteration, located in exon 2 (coding exon 2) of the BTD gene, consists of a deletion of 7 and insertion of 3 nucleotides causing a translational frameshift at position 98 with a predicted alternate stop codon after 36 amino acids. This alteration is expected to result in loss of function by premature protein truncation or nonsense-mediated mRNA decay. The Genome Aggregation Database (gnomAD) data for this variant is unreliable due to technical and/or biological issues; therefore, population frequency estimates were not considered. This variant has been identified in the homozygous state and/or in conjunction with other BTD variant(s) in individual(s) with features consistent with biotinidase deficiency (Ortolano, 2025; S&uuml;r&uuml;c&uuml; Kara, 2023; Forny, 2022; Jezela-Stanek, 2022; Maguolo, 2021; Mardhiah, 2020; Canda, 2018; Wolf, 2017). Based on the available evidence, this alteration is classified as pathogenic.

Literature cited by the submitters: PubMed 27657684; PubMed 29995633; PubMed 32300527; PubMed 34136440; PubMed 35195902; PubMed 35627187; PubMed 37725148; PubMed 41002989.